The following is an entry in ClinVar:

NM_182961.4(SYNE1):c.3977G>T (p.Arg1326Leu)

Gene: SYNE1 (spectrin repeat containing nuclear envelope protein 1; minus strand). Cytogenetic location: 6q25.2.
Variant type: single nucleotide variant.
Coding change: c.3977G>T on transcript NM_182961.4 (MANE Select); coding-DNA position 3977, G replaced by T.
Protein change: p.Arg1326Leu; replaces arginine 1326 with leucine.
Molecular consequence: missense variant.
Genome position (GRCh38, 1-based): chr6:152,442,106, C>A on the plus strand (G>T on the coding strand, the complement: SYNE1 is on the minus strand). VCF-style: chr6-152442106-C-A. GRCh37 (hg19) VCF-style: chr6-152763241-C-A.
Other names: c.3998G>T, p.Arg1333Leu (NM_033071.5); short protein forms R1326L, R1333L.
Identifiers: ClinVar variation 1381280 (VCV001381280.6), dbSNP rs371842938, ClinGen allele CA4058691.

ClinVar aggregate classification (germline): Uncertain significance (1 of 4 stars; one submission).

Conditions:
Emery-Dreifuss muscular dystrophy 4, autosomal dominant (EDMD4). Also called: EMERY-DREIFUSS MUSCULAR DYSTROPHY 4 WITH VARIABLE FEATURES. Identifiers: Orphanet 261, MedGen C2751807, MONDO:0013071, OMIM 612998.
Autosomal recessive ataxia, Beauce type. Also called: SYNE1-Related Autosomal Recessive Cerebellar Ataxia; Spinocerebellar ataxia, autosomal recessive 8; ATAXIA, RECESSIVE, OF BEAUCE; SYNE1 Deficiency. Identifiers: Orphanet 88644, MedGen C1853116, MONDO:0012549, OMIM 610743.

gnomAD v4.1: 6 of 1,613,948 alleles (0.00037%); highest among the groups gnomAD compares: East Asian, 0.011%; no homozygotes.

Submission:

Labcorp Genetics (formerly Invitae), Labcorp
Classification: Uncertain significance for Emery-Dreifuss muscular dystrophy 4, autosomal dominant; Autosomal recessive ataxia, Beauce type. Last evaluated: 2024-07-01. Review status: criteria provided, single submitter. Criteria: Invitae Variant Classification Sherloc (09022015). Collection method: clinical testing. Allele origin: germline.
Comment: This sequence change replaces arginine, which is basic and polar, with leucine, which is neutral and non-polar, at codon 1333 of the SYNE1 protein (p.Arg1333Leu). This variant is present in population databases (rs371842938, gnomAD 0.03%). This variant has not been reported in the literature in individuals affected with SYNE1-related conditions. ClinVar contains an entry for this variant (Variation ID: 1381280). An algorithm developed to predict the effect of missense changes on protein structure and function (PolyPhen-2) suggests that this variant is likely to be tolerated. In summary, the available evidence is currently insufficient to determine the role of this variant in disease. Therefore, it has been classified as a Variant of Uncertain Significance.